The following is an entry in ClinVar:

NM_000059.4(BRCA2):c.4824_4825del (p.Glu1608fs)

Gene: BRCA2 (BRCA2 DNA repair associated; plus strand). Cytogenetic location: 13q13.1.
Variant type: Microsatellite.
Coding change: c.4824_4825del on transcript NM_000059.4 (MANE Select); coding-DNA positions 4824 to 4825, 2 bases deleted (GA; older notation c.4824_4825delGA).
Protein change: p.Glu1608fs; shifts the reading frame from glutamic acid 1608.
Molecular consequence: frameshift variant.
Genome position (GRCh38, 1-based): chr13:32,339,179-32,339,180, GA deleted; deleting any 2 consecutive bases within chr13:32,339,177-32,339,180 gives the same sequence; the c. name uses the placement nearest the transcript's 3' end. VCF-style (leftmost placement, unchanged base first): chr13-32339176-TGA-T. GRCh37 (hg19) VCF-style: chr13-32913313-TGA-T.
Other names: c.4824_4825delGA (NM_000059.3); short protein forms E1608fs.
Identifiers: ClinVar variation 182317 (VCV000182317.3), dbSNP rs730881610, ClinGen allele CA020874.

ClinVar aggregate classification (germline): Pathogenic. Review status: reviewed by expert panel (3 of 4 stars). 2 submissions from 2 submitters: Pathogenic (1). 1 of the submissions does not count toward it. Last evaluated 2016-09-08.

Conditions:
Breast-ovarian cancer, familial, susceptibility to, 2 (BROVCA2). Also called: BRCA2 Hereditary Breast and Ovarian Cancer. Identifiers: Orphanet 145, MedGen C2675520, MONDO:0012933, OMIM 612555. Disease mechanism: loss of function.

Submissions (2):

Evidence-based Network for the Interpretation of Germline Mutant Alleles (ENIGMA)
Classification: Pathogenic for Breast-ovarian cancer, familial, susceptibility to, 2. Last evaluated: 2016-09-08. Review status: reviewed by expert panel. Criteria: ENIGMA BRCA1/2 Classification Criteria (2015). Collection method: curation. Allele origin: germline.
Comment: Variant allele predicted to encode a truncated non-functional protein.

GeneDx
Classification: Pathogenic. Last evaluated: 2016-06-28. Review status: criteria provided, single submitter. Criteria: GeneDx Variant Classification (06012015). Collection method: clinical testing. Allele origin: germline. Affected: yes. Not counted in ClinVar's aggregate classification.
Comment: This deletion of 2 nucleotides in BRCA2 is denoted c.4824_4825delGA at the cDNA level and p.Glu1608AspfsX6 (E1608DfsX6) at the protein level. The normal sequence, with the bases that are deleted in braces, is TTGA[delGA]CTGT. The deletion causes a frameshift, which changes a Glutamic Acid to an Aspartic Acid at codon 1608, and creates a premature stop codon at position 6 of the new reading frame. Although this variant has not, to our knowledge, been reported in the literature, it is predicted to cause loss of normal protein function through either protein truncation or nonsense-mediated mRNA decay. We consider this variant to be pathogenic.